The following is an entry in ClinVar:

NM_001040142.2(SCN2A):c.913ACT[3] (p.Thr306dup)

Gene: SCN2A (sodium voltage-gated channel alpha subunit 2; plus strand). Cytogenetic location: 2q24.3.
Variant type: Microsatellite.
Coding change: c.913ACT[3] on transcript NM_001040142.2 (MANE Select); three copies in a row of the 3-base unit ACT starting at c.913; the reference has two copies in a row; one copy, 3 bases duplicated.
Protein change: p.Thr306dup; duplicates threonine 306.
Molecular consequence: inframe insertion.
Genome position (GRCh38, 1-based): chr2:165,310,541-165,310,543, ACT duplicated; duplicating any 3 consecutive bases within chr2:165,310,537-165,310,543 gives the same sequence; the position shown is the placement nearest the transcript's 3' end. VCF-style (leftmost placement, unchanged base first): chr2-165310536-G-GTAC. GRCh37 (hg19) VCF-style: chr2-166167046-G-GTAC.
Other names: c.913ACT[3], p.Thr306dup (NM_001040143.2, NM_001371246.1, NM_001371247.1 and 1 more transcripts); c.916_918dupACT (NM_021007.2).
Identifiers: ClinVar variation 207094 (VCV000207094.16), dbSNP rs1469280756, ClinGen allele CA318226.

ClinVar aggregate classification (germline): Uncertain significance. Review status: criteria provided, multiple submitters, no conflicts (2 of 4 stars). 4 submissions from 4 submitters: Uncertain significance (4). Last evaluated 2025-12-03.

Conditions:
Inborn genetic diseases. Identifiers: MedGen C0950123, MeSH D030342.
Seizures, benign familial infantile, 3 (BFIS3). Also called: CONVULSIONS, BENIGN FAMILIAL INFANTILE, 3; Familial neonatal seizures. Identifiers: Orphanet 140927, Orphanet 306, MedGen C1843140, MONDO:0011904, OMIM 607745.
Developmental and epileptic encephalopathy, 11 (DEE11). Also called: Early infantile epileptic encephalopathy 11. Identifiers: Orphanet 1934, MedGen C3150987, MONDO:0013388, OMIM 613721.

Submissions (4):

Labcorp Genetics (formerly Invitae), Labcorp
Classification: Uncertain significance for Seizures, benign familial infantile, 3; Developmental and epileptic encephalopathy, 11. Last evaluated: 2025-12-03. Review status: criteria provided, single submitter. Criteria: Invitae Variant Classification Sherloc (09022015). Collection method: clinical testing. Allele origin: germline.
Comment: This variant, c.916_918dup, results in the insertion of 1 amino acid(s) of the SCN2A protein (p.Thr306dup), but otherwise preserves the integrity of the reading frame. This variant is present in population databases (rs762721688, gnomAD 0.03%). This variant has not been reported in the literature in individuals affected with SCN2A-related conditions. ClinVar contains an entry for this variant (Variation ID: 207094). Experimental studies and prediction algorithms are not available or were not evaluated, and the functional significance of this variant is currently unknown. In summary, the available evidence is currently insufficient to determine the role of this variant in disease. Therefore, it has been classified as a Variant of Uncertain Significance.

Eurofins Ntd Llc (ga)
Classification: Uncertain significance. Last evaluated: 2018-08-01. Review status: criteria provided, single submitter. Criteria: EGL ClinVar v180209 classification definitions. Collection method: clinical testing. Allele origin: germline. Observed: 1 variant allele, 1 heterozygote.

Ambry Genetics
Classification: Uncertain significance for Inborn genetic diseases. Last evaluated: 2018-02-09. Review status: criteria provided, single submitter. Criteria: Ambry Variant Classification Scheme 2023. Collection method: clinical testing. Allele origin: germline.
Comment: The c.916_918dupACT variant (also known as p.T306dup), located in coding exon 6 of the SCN2A gene, results from an in-frame duplication of ACT at nucleotide positions 916 to 918. This results in the duplication of an extra residue between codons 306 and 307. This nucleotide position is poorly conserved in available vertebrate species. Since supporting evidence is limited at this time, the clinical significance of this alteration remains unclear.

GeneDx
Classification: Uncertain significance. Last evaluated: 2014-10-16. Review status: criteria provided, single submitter. Criteria: GeneDx Variant Classification (06012015). Collection method: clinical testing. Allele origin: germline. Affected: yes.
Comment: The c.916_918dupACT variant has not been published as a mutation, nor has it been reported as a benign polymorphism to our knowledge. The normal sequence with the duplicated bases in brackets: TACT[dupACT]TTCA. The c.916_918dupACT variant was not observed with any significant frequency in approximately 6,500 individuals of European and African American ancestry in the NHLBI Exome Sequencing Project. The c.916_918dupACT results in an in-frame duplication of a single Threonine residue at a poorly conserved position in the SCN2A protein and is not expected to result in protein truncation or nonsense-mediated mRNA decay. To our knowledge, in-frame duplications have not been previously reported in the SCN2A gene in association with epilepsy. Therefore, based on the currently available information, it is unclear whether this variant is a pathogenic mutation or a rare benign variant. The variant is found in EPILEPSY panel(s).